The following is an entry in ClinVar:

NM_001287491.2(TET3):c.285A>G (p.Lys95=)

Gene: TET3 (tet methylcytosine dioxygenase 3; plus strand). Cytogenetic location: 2p13.1.
Variant type: single nucleotide variant.
Coding change: c.285A>G on transcript NM_001287491.2 (MANE Select); coding-DNA position 285, A replaced by G.
Protein change: p.Lys95=; no amino-acid change (lysine 95 retained).
Molecular consequence: synonymous variant.
Genome position (GRCh38, 1-based): chr2:73,986,688, A>G. VCF-style: chr2-73986688-A-G. GRCh37 (hg19) VCF-style: chr2-74213815-A-G.
Identifiers: ClinVar variation 3234371 (VCV003234371.20), dbSNP rs963507466, ClinGen allele CA50415001.

ClinVar aggregate classification (germline): Uncertain significance (1 of 4 stars; one submission).

Allele frequency attached by ClinVar (database versions not stated): gnomAD 0.00002; TOPMed 0.00002; gnomAD exomes 0.00003.
gnomAD v4.1: 32 of 1,231,916 alleles (0.0026%); highest among the groups gnomAD compares: Non-Finnish European, 0.0029%; no homozygotes.

Submission:

CeGaT Center for Human Genetics Tuebingen
Classification: Uncertain significance. Last evaluated: 2024-04-01. Review status: criteria provided, single submitter. Criteria: CeGaT Center For Human Genetics Tuebingen Variant Classification Criteria Version 2. Collection method: clinical testing. Allele origin: germline. Affected: yes. Observed: 1 variant allele.
Comment: TET3: PM2:Supporting, PP3